The following is an entry in ClinVar:

NM_007294.4(BRCA1):c.1951A>C (p.Lys651Gln)

Gene: BRCA1 (BRCA1 DNA repair associated; minus strand). Cytogenetic location: 17q21.31.
Variant type: single nucleotide variant.
Coding change: c.1951A>C on transcript NM_007294.4 (MANE Select); coding-DNA position 1951, A replaced by C.
Protein change: p.Lys651Gln; replaces lysine 651 with glutamine.
Molecular consequence: missense variant. On other transcripts: intron variant (137).
Genome position (GRCh38, 1-based): chr17:43,093,580, T>G on the plus strand (A>C on the coding strand, the complement: BRCA1 is on the minus strand). VCF-style: chr17-43093580-T-G. GRCh37 (hg19) VCF-style: chr17-41245597-T-G.
Other names: c.1738A>C, p.Lys580Gln (NM_001407571.1, NM_001407915.1, NM_001407916.1 and 9 more transcripts); c.1951A>C, p.Lys651Gln (NM_001407581.1, NM_001407582.1, NM_001407583.1 and 30 more transcripts); c.1948A>C, p.Lys650Gln (NM_001407587.1, NM_001407613.1, NM_001407614.1 and 22 more transcripts); c.1870A>C, p.Lys624Gln (NM_001407660.1, NM_001407661.1, NM_001407662.1 and 1 more transcripts); c.1825A>C, p.Lys609Gln (NM_001407673.1, NM_001407649.1, NM_001407670.1 and 11 more transcripts); c.1828A>C, p.Lys610Gln (NM_001407674.1, NM_001407675.1, NM_001407676.1 and 19 more transcripts); c.1810A>C, p.Lys604Gln (NM_001407692.1, NM_001407694.1, NM_001407695.1 and 29 more transcripts); c.1807A>C, p.Lys603Gln (NM_001407740.1, NM_001407741.1, NM_001407742.1 and 20 more transcripts); and 40 more; short protein forms K651Q, K604Q, K483Q, K539Q, K581Q, K609Q, K610Q, K648Q.
Identifiers: ClinVar variation 491038 (VCV000491038.8), dbSNP rs1555590804, ClinGen allele CA10598121.

ClinVar aggregate classification (germline): Conflicting classifications of pathogenicity. Review status: criteria provided, conflicting classifications (1 of 4 stars). 3 submissions from 3 submitters: Uncertain significance (2); Likely benign (1). Last evaluated 2023-03-23.

Conditions:
Hereditary cancer-predisposing syndrome. Also called: Tumor predisposition; Hereditary Cancer Syndrome; Hereditary neoplastic syndrome; Neoplastic Syndromes, Hereditary. Identifiers: Orphanet 140162, MedGen C0027672, MeSH D009386, MONDO:0015356.
Breast-ovarian cancer, familial, susceptibility to, 1 (BROVCA1). Also called: BRCA1 Hereditary Breast and Ovarian Cancer; OVARIAN CANCER, SUSCEPTIBILITY TO. Identifiers: Orphanet 145, MedGen C2676676, MONDO:0011450, OMIM 604370. Disease mechanism: loss of function.

Submissions (3):

University of Washington Department of Laboratory Medicine, University of Washington
Classification: Likely benign for Hereditary cancer-predisposing syndrome. Last evaluated: 2023-03-23. Review status: criteria provided, single submitter. Criteria: Dines et al. (Genet Med. 2020). Collection method: curation. Allele origin: germline.
Comment: Missense variant in a coldspot region where missense variants are very unlikely to be pathogenic (PMID:31911673).

BRCA1 coldspot (exon 11 using historical exon numbering). Reclassification based on statistical prior probability

Mendelics
Classification: Uncertain significance for Breast-ovarian cancer, familial, susceptibility to, 1. Last evaluated: 2019-05-28. Review status: criteria provided, single submitter. Criteria: Mendelics Assertion Criteria 2017. Collection method: clinical testing. Allele origin: unknown.

Color Diagnostics, LLC DBA Color Health
Classification: Uncertain significance for Hereditary cancer-predisposing syndrome. Last evaluated: 2019-01-04. Review status: criteria provided, single submitter. Criteria: ACMG Guidelines, 2015. Collection method: clinical testing. Allele origin: germline.